The following is an entry in ClinVar:

ClinVar aggregate classification (germline): Likely benign. Review status: criteria provided, multiple submitters, no conflicts (2 of 4 stars). 2 submissions from 2 submitters: Likely benign (2). Last evaluated 2026-08-01.

Conditions:
Charcot-Marie-Tooth disease axonal type 2O. Also called: Charcot-Marie-Tooth Neuropathy Type 2O; CHARCOT-MARIE-TOOTH NEUROPATHY, AXONAL, TYPE 2O; CHARCOT-MARIE-TOOTH DISEASE, AXONAL, AUTOSOMAL DOMINANT, TYPE 2O; Charcot-Marie-Tooth disease, axonal, type 20. Identifiers: Orphanet 284232, MedGen C3280220, MONDO:0013644, OMIM 614228.

gnomAD v4.1: 2 of 1,614,204 alleles (0.00012%); highest among the groups gnomAD compares: African/African-American, 0.0013%; no homozygotes.

Submissions (2):

CeGaT Center for Human Genetics Tuebingen
Classification: Likely benign. Last evaluated: 2026-08-01. Review status: criteria provided, single submitter. Criteria: CeGaT Center For Human Genetics Tuebingen Variant Classification Criteria Version 2. Collection method: clinical testing. Allele origin: germline. Affected: yes. Observed: 1 variant allele.
Comment: DYNC1H1: BP4, BP7

Labcorp Genetics (formerly Invitae), Labcorp
Classification: Likely benign for Charcot-Marie-Tooth disease axonal type 2O. Last evaluated: 2021-07-27. Review status: criteria provided, single submitter. Criteria: Invitae Variant Classification Sherloc (09022015). Collection method: clinical testing. Allele origin: germline.

NM_001376.5(DYNC1H1):c.11370C>T (p.Val3790=)

Gene: DYNC1H1 (dynein cytoplasmic 1 heavy chain 1; plus strand). Cytogenetic location: 14q32.31.
Variant type: single nucleotide variant.
Coding change: c.11370C>T on transcript NM_001376.5 (MANE Select); coding-DNA position 11370, C replaced by T.
Protein change: p.Val3790=; no amino-acid change (valine 3790 retained).
Molecular consequence: synonymous variant.
Genome position (GRCh38, 1-based): chr14:102,039,164, C>T. VCF-style: chr14-102039164-C-T. GRCh37 (hg19) VCF-style: chr14-102505501-C-T.
Identifiers: ClinVar variation 1570720 (VCV001570720.9), dbSNP rs2152594986, ClinGen allele CA488186096.